The following is an entry in ClinVar:

ClinVar aggregate classification (germline): Uncertain significance. Review status: criteria provided, multiple submitters, no conflicts (2 of 4 stars). 2 submissions from 2 submitters: Uncertain significance (2). Last evaluated 2025-02-08.

Conditions:
Inborn genetic diseases. Identifiers: MedGen C0950123, MeSH D030342.
Meckel-Gruber syndrome. Also called: DYSENCEPHALIA SPLANCHNOCYSTICA; GRUBER SYNDROME; Dysencephalia splachnocystica. Identifiers: Orphanet 564, MedGen C0265215, MONDO:0018921.
Joubert syndrome. Also called: CEREBELLOPARENCHYMAL DISORDER IV; JOUBERT-BOLTSHAUSER SYNDROME; Familial aplasia of the vermis. Identifiers: Orphanet 475, MedGen C5979921, MONDO:0018772.

Allele frequency attached by ClinVar (database versions not stated): gnomAD exomes below 0.00001; TOPMed 0.00001; ExAC 0.00003; gnomAD 0.00003 and 0.00004.
gnomAD v4.1: 8 of 1,583,072 alleles (0.00051%); highest among the groups gnomAD compares: Admixed American, 0.0036%; no homozygotes.

Submissions (2):

Ambry Genetics
Classification: Uncertain significance for Inborn genetic diseases. Last evaluated: 2025-02-08. Review status: criteria provided, single submitter. Criteria: Ambry Variant Classification Scheme 2023. Collection method: clinical testing. Allele origin: germline.

Labcorp Genetics (formerly Invitae), Labcorp
Classification: Uncertain significance for Joubert syndrome; Meckel-Gruber syndrome. Last evaluated: 2022-07-26. Review status: criteria provided, single submitter. Criteria: Invitae Variant Classification Sherloc (09022015). Collection method: clinical testing. Allele origin: germline.
Comment: Algorithms developed to predict the effect of missense changes on protein structure and function (SIFT, PolyPhen-2, Align-GVGD) all suggest that this variant is likely to be tolerated. In summary, the available evidence is currently insufficient to determine the role of this variant in disease. Therefore, it has been classified as a Variant of Uncertain Significance. Algorithms developed to predict the effect of sequence changes on RNA splicing suggest that this variant may create or strengthen a splice site. ClinVar contains an entry for this variant (Variation ID: 1460911). This variant has not been reported in the literature in individuals affected with B9D1-related conditions. This variant is not present in population databases (gnomAD no frequency). This sequence change replaces asparagine, which is neutral and polar, with serine, which is neutral and polar, at codon 14 of the B9D1 protein (p.Asn14Ser).

NM_015681.6(B9D1):c.41A>G (p.Asn14Ser)

Genes: B9D1 (B9 domain containing 1; minus strand), LOC130060455 (ATAC-STARR-seq lymphoblastoid silent region 8288; plus strand). Cytogenetic location: 17p11.2.
Variant type: single nucleotide variant.
Coding change: c.41A>G on transcript NM_015681.6 (MANE Select); coding-DNA position 41, A replaced by G.
Protein change: p.Asn14Ser; replaces asparagine 14 with serine.
Molecular consequence: missense variant. On other transcripts: intron variant (1).
Genome position (GRCh38, 1-based): chr17:19,362,529, T>C on the plus strand (A>G on the coding strand, the complement: B9D1 is on the minus strand). VCF-style: chr17-19362529-T-C. GRCh37 (hg19) VCF-style: chr17-19265842-T-C.
Other names: c.41A>G, p.Asn14Ser (NM_001321214.2, NM_001321215.3, NM_001321216.2 and 4 more transcripts); c.-297-2141A>G (NM_001368769.2); c.41A>G (NM_015681.3); short protein forms N14S.
Identifiers: ClinVar variation 1460911 (VCV001460911.7), dbSNP rs764022966, ClinGen allele CA8440393.
Genomic context (GRCh38, chr17:19,362,529, plus strand): 5'-CTGGGGGGCGGGCCCCGGCGGGGTCCACGGCCGCTCACCTGGGCGCTCTCCACCTGCCCG[T>C]TGACCATGAGTAGAAAGACGCTAGGACTCGCGGTCGCCATGGCAGGTCTGGGGGTGCCGG-3'
Protein context (NP_056496.1, residues 4-24): ASPSVFLLMV[Asn14Ser]GQVESAQFPE